The following is an entry in ClinVar:

NM_017654.4(SAMD9):c.286C>A (p.Pro96Thr)

Gene: SAMD9 (sterile alpha motif domain containing 9; minus strand). Cytogenetic location: 7q21.2.
Variant type: single nucleotide variant.
Coding change: c.286C>A on transcript NM_017654.4 (MANE Select); coding-DNA position 286, C replaced by A.
Protein change: p.Pro96Thr; replaces proline 96 with threonine.
Molecular consequence: missense variant.
Genome position (GRCh38, 1-based): chr7:93,105,812, G>T on the plus strand (C>A on the coding strand, the complement: SAMD9 is on the minus strand). VCF-style: chr7-93105812-G-T. GRCh37 (hg19) VCF-style: chr7-92735125-G-T.
Other names: c.286C>A, p.Pro96Thr (NM_001193307.2); short protein forms P96T.
Identifiers: ClinVar variation 5028725 (VCV005028725.1).

ClinVar aggregate classification (germline): Uncertain significance (1 of 4 stars; one submission).

Conditions:
Inborn genetic diseases. Identifiers: MedGen C0950123, MeSH D030342.

Submission:

Ambry Genetics
Classification: Uncertain significance for Inborn genetic diseases. Last evaluated: 2026-06-15. Review status: criteria provided, single submitter. Criteria: Ambry Variant Classification Scheme 2023. Collection method: clinical testing. Allele origin: germline.
Comment: The p.P96T variant (also known as c.286C>A), located in coding exon 1 of the SAMD9 gene, results from a C to A substitution at nucleotide position 286. The proline at codon 96 is replaced by threonine, an amino acid with highly similar properties. This amino acid position is conserved. In addition, this alteration is predicted to be tolerated by in silico analysis. Based on the available evidence, the clinical significance of this variant remains unclear.